The following is an entry in ClinVar:

NM_001830.4(CLCN4):c.1598T>C (p.Val533Ala)

Gene: CLCN4 (Cl-/H+ antiporter 4; plus strand). Cytogenetic location: Xp22.2.
Variant type: single nucleotide variant.
Coding change: c.1598T>C on transcript NM_001830.4 (MANE Select); coding-DNA position 1598, T replaced by C.
Protein change: p.Val533Ala; replaces valine 533 with alanine.
Molecular consequence: missense variant.
Genome position (GRCh38, 1-based): chrX:10,213,702, T>C. VCF-style: chrX-10213702-T-C. GRCh37 (hg19) VCF-style: chrX-10181742-T-C.
Other names: c.1316T>C, p.Val439Ala (NM_001256944.2); short protein forms V439A, V533A.
Identifiers: ClinVar variation 3343529 (VCV003343529.2).

ClinVar aggregate classification (germline): Uncertain significance (1 of 4 stars; one submission).

Submission:

GeneDx
Classification: Uncertain significance. Last evaluated: 2026-04-23. Review status: criteria provided, single submitter. Criteria: GeneDx Variant Classification Process June 2021. Collection method: clinical testing. Allele origin: germline.
Comment: Not observed at significant frequency in large population cohorts (gnomAD); In silico analysis supports that this missense variant has a deleterious effect on protein structure/function; Has not been previously published as pathogenic or benign to our knowledge